The following is an entry in ClinVar:

ClinVar aggregate classification (germline): Uncertain significance (1 of 4 stars; one submission).

Conditions:
Surfactant metabolism dysfunction, pulmonary, 4 (SMDP4). Also called: PAP DUE TO CSF2RA DEFICIENCY; PULMONARY ALVEOLAR PROTEINOSIS, CONGENITAL, 4; CSF2RA DEFICIENCY. Identifiers: Orphanet 264675, MedGen C2677877, MONDO:0010424, OMIM 300770.

Submission:

Labcorp Genetics (formerly Invitae), Labcorp
Classification: Uncertain significance for Surfactant metabolism dysfunction, pulmonary, 4. Last evaluated: 2024-10-01. Review status: criteria provided, single submitter. Criteria: Invitae Variant Classification Sherloc (09022015). Collection method: clinical testing. Allele origin: germline.
Comment: This sequence change replaces methionine, which is neutral and non-polar, with isoleucine, which is neutral and non-polar, at codon 134 of the CSF2RA protein (p.Met134Ile). This variant is present in population databases (no rsID available, gnomAD 0.03%). This variant has not been reported in the literature in individuals affected with CSF2RA-related conditions. Invitae Evidence Modeling of protein sequence and biophysical properties (such as structural, functional, and spatial information, amino acid conservation, physicochemical variation, residue mobility, and thermodynamic stability) indicates that this missense variant is expected to disrupt CSF2RA protein function with a positive predictive value of 80%. In summary, the available evidence is currently insufficient to determine the role of this variant in disease. Therefore, it has been classified as a Variant of Uncertain Significance.

NM_172245.4(CSF2RA):c.402G>T (p.Met134Ile)

Gene: CSF2RA (colony stimulating factor 2 receptor subunit alpha; plus strand). Cytogenetic location: Xp22.33.
Variant type: single nucleotide variant.
Coding change: c.402G>T on transcript NM_172245.4 (MANE Select); coding-DNA position 402, G replaced by T.
Protein change: p.Met134Ile; replaces methionine 134 with isoleucine.
Molecular consequence: missense variant. On other transcripts: initiator codon variant (1), non-coding transcript variant (1).
Genome position (GRCh38, 1-based): chrX:1,288,817, G>T. VCF-style: chrX-1288817-G-T. GRCh37 (hg19) VCF-style: chrX-1407710-G-T.
Other names: c.402G>T, p.Met134Ile (NM_001161529.2, NM_001161530.2, NM_001161531.2 and 20 more transcripts); c.3G>T, p.Met1Ile (NM_001161532.2); short protein forms M1I, M134I.
Identifiers: ClinVar variation 3663918 (VCV003663918.1).
Genomic context (GRCh38, chrX:1,288,817, plus strand): 5'-AGGAAGGGAGGGTACCGCTGCTCAGAATTTCTCCTGTTTCATCTACAATGCGGATTTAAT[G>T]AACTGTACCTGGGCGAGGGGTCCGACGGCCCCCCGTGACGTCCAGTATTTTTTGTACATA-3'
Protein context (NP_758448.1, residues 124-144): FSCFIYNADL[Met134Ile]NCTWARGPTA